The following is an entry in ClinVar:

ClinVar aggregate classification (germline): Uncertain significance (1 of 4 stars; one submission).

Submission:

Labcorp Genetics (formerly Invitae), Labcorp
Classification: Uncertain significance. Last evaluated: 2023-09-08. Review status: criteria provided, single submitter. Criteria: Invitae Variant Classification Sherloc (09022015). Collection method: clinical testing. Allele origin: germline.
Comment: This sequence change replaces lysine, which is basic and polar, with glutamic acid, which is acidic and polar, at codon 432 of the NFKB1 protein (p.Lys432Glu). This variant is not present in population databases (gnomAD no frequency). This variant has not been reported in the literature in individuals affected with NFKB1-related conditions. An algorithm developed to predict the effect of missense changes on protein structure and function (PolyPhen-2) suggests that this variant is likely to be disruptive. In summary, the available evidence is currently insufficient to determine the role of this variant in disease. Therefore, it has been classified as a Variant of Uncertain Significance.

NM_003998.4(NFKB1):c.1294A>G (p.Lys432Glu)

Gene: NFKB1 (nuclear factor kappa B subunit 1; plus strand). Cytogenetic location: 4q24.
Variant type: single nucleotide variant.
Coding change: c.1294A>G on transcript NM_003998.4 (MANE Select); coding-DNA position 1294, A replaced by G.
Protein change: p.Lys432Glu; replaces lysine 432 with glutamic acid.
Molecular consequence: missense variant.
Genome position (GRCh38, 1-based): chr4:102,594,975, A>G. VCF-style: chr4-102594975-A-G. GRCh37 (hg19) VCF-style: chr4-103516132-A-G.
Other names: c.1291A>G, p.Lys431Glu (NM_001165412.2, NM_001319226.2, NM_001382627.1); c.1294A>G, p.Lys432Glu (NM_001382625.1, NM_001382626.1); c.1252A>G, p.Lys418Glu (NM_001382628.1); short protein forms K418E, K432E, K431E.
Identifiers: ClinVar variation 2817305 (VCV002817305.3), dbSNP rs2476492332, ClinGen allele CA357750772.